The following is an entry in ClinVar:

ClinVar aggregate classification (germline): Likely pathogenic. Review status: criteria provided, multiple submitters, no conflicts (2 of 4 stars). 2 submissions from 2 submitters: Likely pathogenic (2). Last evaluated 2026-07-01.

Conditions:
Glycogen storage disease, type II (IOPD). Also called: CARDIOMEGALIA GLYCOGENICA DIFFUSA; GLYCOGENOSIS, GENERALIZED, CARDIAC FORM; GSD II; Glycogen storage disease type 2; Acid maltase deficiency disease; Aglucosidase alfa. Identifiers: Orphanet 365, MedGen C0017921, MONDO:0009290, OMIM 232300.

Submissions (2):

Genomenon, Inc
Classification: Likely pathogenic for Glycogen storage disease, type II. Last evaluated: 2026-07-01. Review status: criteria provided, single submitter. Criteria: Genomenon Sequence Variant Interpretation Standards - Updated. Collection method: curation. Allele origin: germline. Affected: yes.
Comment: GAA p.Cys558Ser (c.1673G>C) is a missense variant that changes the amino acid at codon 558 from Cysteine to Serine. This variant has been observed in at least one proband with a GAA-related disorder in the compound heterozygous and/or homozygous state (PMID:20350966). At least one functional study has demonstrated a substantial alteration in protein function relative to the wild-type (PMID:22644586). It is absent or not present at a significant frequency in gnomAD. In silico models predict that this variant is possibly or probably damaging. In conclusion, we classify GAA p.Cys558Ser (c.1673G>C) as a likely pathogenic variant.

Women's Health and Genetics/Laboratory Corporation of America, LabCorp
Classification: Likely pathogenic for Glycogen storage disease, type II. Last evaluated: 2025-04-11. Review status: criteria provided, single submitter. Criteria: LabCorp Variant Classification Summary - May 2015. Collection method: clinical testing. Allele origin: germline.
Comment: Variant summary: GAA c.1673G>C (p.Cys558Ser) results in a non-conservative amino acid change located in the Glycosyl hydrolases family 31 TIM-barrel domain (IPR000322) of the encoded protein sequence. Five of five in-silico tools predict a damaging effect of the variant on protein function. The variant was absent in 251182 control chromosomes. c.1673G>C has been observed in a compound heterozygous individual affected with Glycogen Storage Disease, Type 2 (Pompe Disease) (Alcntara-Ortigoza_2010). At least one publication reports experimental evidence evaluating an impact on protein function. The most pronounced variant effect results in 4.8% of normal activity (Kroos_2012). The following publications have been ascertained in the context of this evaluation (PMID: 20350966, 22644586). No submitters have cited clinical-significance assessments for this variant to ClinVar. Based on the evidence outlined above, the variant was classified as likely pathogenic.

Literature cited by the submitters: PubMed 20350966 (cited by Genomenon, Inc and Women's Health and Genetics/Laboratory Corporation of America, LabCorp); PubMed 22644586 (cited by Genomenon, Inc and Women's Health and Genetics/Laboratory Corporation of America, LabCorp).

NM_000152.5(GAA):c.1673G>C (p.Cys558Ser)

Gene: GAA (alpha glucosidase; plus strand). Cytogenetic location: 17q25.3.
Variant type: single nucleotide variant.
Coding change: c.1673G>C on transcript NM_000152.5 (MANE Select); coding-DNA position 1673, G replaced by C.
Protein change: p.Cys558Ser; replaces cysteine 558 with serine.
Molecular consequence: missense variant.
Genome position (GRCh38, 1-based): chr17:80,112,019, G>C. VCF-style: chr17-80112019-G-C. GRCh37 (hg19) VCF-style: chr17-78085818-G-C.
Other names: c.1673G>C, p.Cys558Ser (NM_001079803.3, NM_001079804.3, NM_001406741.1 and 1 more transcripts); short protein forms C558S.
Identifiers: ClinVar variation 3896319 (VCV003896319.3).